The following is an entry in ClinVar:

ClinVar aggregate classification (germline): Uncertain significance (1 of 4 stars; one submission).

Conditions:
Hereditary insensitivity to pain with anhidrosis (CIPA). Also called: hereditary sensory and autonomic neuropathy type 4; HSAN Type IV; FAMILIAL DYSAUTONOMIA, TYPE II; NTRK1 Congenital Insensitivity to Pain with Anhidrosis; NEUROPATHY, CONGENITAL SENSORY, WITH ANHIDROSIS; INSENSITIVITY TO PAIN, CONGENITAL, WITH ANHIDROSIS. Identifiers: Orphanet 642, MedGen C0020074, MONDO:0009746, OMIM 256800.

Allele frequency attached by ClinVar (database versions not stated): TOPMed 0.00001.

Submission:

Labcorp Genetics (formerly Invitae), Labcorp
Classification: Uncertain significance for Hereditary insensitivity to pain with anhidrosis. Last evaluated: 2022-07-13. Review status: criteria provided, single submitter. Criteria: Invitae Variant Classification Sherloc (09022015). Collection method: clinical testing. Allele origin: germline.
Comment: In summary, the available evidence is currently insufficient to determine the role of this variant in disease. Therefore, it has been classified as a Variant of Uncertain Significance. This sequence change replaces tryptophan, which is neutral and slightly polar, with cysteine, which is neutral and slightly polar, at codon 299 of the NTRK1 protein (p.Trp299Cys). This variant is not present in population databases (gnomAD no frequency). This variant has not been reported in the literature in individuals affected with NTRK1-related conditions. Advanced modeling of protein sequence and biophysical properties (such as structural, functional, and spatial information, amino acid conservation, physicochemical variation, residue mobility, and thermodynamic stability) performed at Invitae indicates that this missense variant is expected to disrupt NTRK1 protein function.

NM_002529.4(NTRK1):c.897G>C (p.Trp299Cys)

Gene: NTRK1 (neurotrophic receptor tyrosine kinase 1; plus strand). Cytogenetic location: 1q23.1.
Variant type: single nucleotide variant.
Coding change: c.897G>C on transcript NM_002529.4 (MANE Select); coding-DNA position 897, G replaced by C.
Protein change: p.Trp299Cys; replaces tryptophan 299 with cysteine.
Molecular consequence: missense variant.
Genome position (GRCh38, 1-based): chr1:156,873,679, G>C. VCF-style: chr1-156873679-G-C. GRCh37 (hg19) VCF-style: chr1-156843471-G-C.
Other names: c.897G>C, p.Trp299Cys (NM_001007204.1, NM_001012331.2); c.807G>C, p.Trp269Cys (NM_001007792.1); short protein forms W269C, W299C.
Identifiers: ClinVar variation 2178395 (VCV002178395.4), dbSNP rs1411556656, ClinGen allele CA342935623.